The following is an entry in ClinVar:

ClinVar aggregate classification (germline): Conflicting classifications of pathogenicity. Review status: criteria provided, conflicting classifications (1 of 4 stars). 2 submissions from 2 submitters: Likely pathogenic (1); Uncertain significance (1). Last evaluated 2026-01-15.

Conditions:
Familial infantile myasthenia (CMS6). Also called: Congenital myasthenic syndrome type 6; MYASTHENIC SYNDROME, PRESYNAPTIC, CONGENITAL, ASSOCIATED WITH EPISODIC APNEA; MYASTHENIC SYNDROME, CONGENITAL, 6, PRESYNAPTIC. Identifiers: Orphanet 590, MedGen C0393929, MONDO:0009689, OMIM 254210.

Allele frequency attached by ClinVar (database versions not stated): ExAC 0.00002.
gnomAD v4.1: 69 of 1,613,908 alleles (0.0043%); highest among the groups gnomAD compares: Non-Finnish European, 0.0054%; no homozygotes.

Submissions (2):

Women's Health and Genetics/Laboratory Corporation of America, LabCorp
Classification: Uncertain significance. Last evaluated: 2026-01-15. Review status: criteria provided, single submitter. Criteria: LabCorp Variant Classification Summary - May 2015. Collection method: clinical testing. Allele origin: germline.
Comment: Variant summary: CHAT c.1663G>A (p.Glu555Lys) results in a conservative amino acid change in the encoded protein sequence. Algorithms developed to predict the effect of missense changes on protein structure and function are either unavailable or do not agree on the potential impact of this missense change. The variant allele was found at a frequency of 1.2e-05 in 251360 control chromosomes. The available data on variant occurrences in the general population are insufficient to allow any conclusion about variant significance. c.1663G>A has been observed in an individual affected with Congenital Myasthenic Syndrome (Brunelli_2017, Brunelli_2019). These data do not allow any conclusion about variant significance. To our knowledge, no experimental evidence demonstrating an impact on protein function has been reported. The following publications have been ascertained in the context of this evaluation (PMID: 28497657, 31192527). ClinVar contains an entry for this variant (Variation ID: 649407). Based on the evidence outlined above, the variant was classified as uncertain significance.

Labcorp Genetics (formerly Invitae), Labcorp
Classification: Likely pathogenic for Familial infantile myasthenia. Last evaluated: 2025-05-14. Review status: criteria provided, single submitter. Criteria: Invitae Variant Classification Sherloc (09022015). Collection method: clinical testing. Allele origin: germline.
Comment: This sequence change replaces glutamic acid, which is acidic and polar, with lysine, which is basic and polar, at codon 555 of the CHAT protein (p.Glu555Lys). This variant is present in population databases (rs757303526, gnomAD 0.003%). This missense change has been observed in individual(s) with congenital myasthenic syndrome (PMID: 28497657). In at least one individual the data is consistent with being in trans (on the opposite chromosome) from a pathogenic variant. ClinVar contains an entry for this variant (Variation ID: 649407). Invitae Evidence Modeling of protein sequence and biophysical properties (such as structural, functional, and spatial information, amino acid conservation, physicochemical variation, residue mobility, and thermodynamic stability) indicates that this missense variant is expected to disrupt CHAT protein function with a positive predictive value of 95%. In summary, the currently available evidence indicates that the variant is pathogenic, but additional data are needed to prove that conclusively. Therefore, this variant has been classified as Likely Pathogenic.

Literature cited by the submitters: PubMed 28497657 (cited by Women's Health and Genetics/Laboratory Corporation of America, LabCorp and Labcorp Genetics (formerly Invitae), Labcorp); PubMed 31192527 (cited by Women's Health and Genetics/Laboratory Corporation of America, LabCorp).

NM_020549.5(CHAT):c.1663G>A (p.Glu555Lys)

Gene: CHAT (choline O-acetyltransferase; plus strand). Cytogenetic location: 10q11.23.
Variant type: single nucleotide variant.
Coding change: c.1663G>A on transcript NM_020549.5 (MANE Select); coding-DNA position 1663, G replaced by A.
Protein change: p.Glu555Lys; replaces glutamic acid 555 with lysine.
Molecular consequence: missense variant.
Genome position (GRCh38, 1-based): chr10:49,655,123, G>A. VCF-style: chr10-49655123-G-A. GRCh37 (hg19) VCF-style: chr10-50863169-G-A.
Other names: c.1309G>A, p.Glu437Lys (NM_001142929.2, NM_001142934.2, NM_020984.4 and 2 more transcripts); c.1417G>A, p.Glu473Lys (NM_001142933.2); short protein forms E473K, E555K, E437K.
Identifiers: ClinVar variation 649407 (VCV000649407.5), dbSNP rs757303526, ClinGen allele CA5497589.
Genomic context (GRCh38, chr10:49,655,123, plus strand): 5'-ACCATGTGCCATTCATCCTTCATCCCACGCAGGCTCCATCGAAGACTGGTGCCCACCTAC[G>A]AGAGCGCGTCCATCCGCCGATTCCAGGAGGGACGCGTGGACAACATCAGATCGGCCACTC-3'
Protein context (NP_065574.4, residues 545-565): RLHRRLVPTY[Glu555Lys]SASIRRFQEG